The following is an entry in ClinVar:

ClinVar aggregate classification (germline): Uncertain significance (1 of 4 stars; one submission).

Conditions:
Hereditary cancer-predisposing syndrome. Also called: Hereditary Cancer Syndrome; Neoplastic Syndromes, Hereditary; Tumor predisposition; Hereditary neoplastic syndrome. Identifiers: Orphanet 140162, MedGen C0027672, MeSH D009386, MONDO:0015356.

Submission:

Ambry Genetics
Classification: Uncertain significance for Hereditary cancer-predisposing syndrome. Last evaluated: 2021-09-16. Review status: criteria provided, single submitter. Criteria: Ambry Variant Classification Scheme 2023. Collection method: clinical testing. Allele origin: germline.
Comment: The p.R705I variant (also known as c.2114G>T), located in coding exon 19 of the MRE11A gene, results from a G to T substitution at nucleotide position 2114. The arginine at codon 705 is replaced by isoleucine, an amino acid with similar properties. This amino acid position is well conserved in available vertebrate species. In addition, this alteration is predicted to be tolerated by in silico analysis. Since supporting evidence is limited at this time, the clinical significance of this alteration remains unclear.

NM_005591.4(MRE11):c.2114G>T (p.Arg705Ile)

Gene: MRE11 (MRE11 double strand break repair nuclease; minus strand). Cytogenetic location: 11q21.
Variant type: single nucleotide variant.
Coding change: c.2114G>T on transcript NM_005591.4 (MANE Select); coding-DNA position 2114, G replaced by T.
Protein change: p.Arg705Ile; replaces arginine 705 with isoleucine.
Molecular consequence: missense variant.
Genome position (GRCh38, 1-based): chr11:94,420,138, C>A on the plus strand (G>T on the coding strand, the complement: MRE11 is on the minus strand). VCF-style: chr11-94420138-C-A. GRCh37 (hg19) VCF-style: chr11-94153304-C-A.
Other names: c.2111G>T, p.Arg704Ile (NM_001330347.2); c.2030G>T, p.Arg677Ile (NM_005590.4); short protein forms R705I, R677I, R704I.
Identifiers: ClinVar variation 479764 (VCV000479764.5), dbSNP rs750057222, ClinGen allele CA382372526.